The following is an entry in ClinVar:

NM_007294.4(BRCA1):c.3797G>A (p.Ser1266Asn)

Genes: BRCA1 (BRCA1 DNA repair associated; minus strand), LOC126862571 (BRD4-independent group 4 enhancer GRCh37_chr17:41243136-41244335; plus strand). Cytogenetic location: 17q21.31.
Variant type: single nucleotide variant.
Coding change: c.3797G>A on transcript NM_007294.4 (MANE Select); coding-DNA position 3797, G replaced by A.
Protein change: p.Ser1266Asn; replaces serine 1266 with asparagine.
Molecular consequence: missense variant. On other transcripts: intron variant (135).
Genome position (GRCh38, 1-based): chr17:43,091,734, C>T on the plus strand (G>A on the coding strand, the complement: BRCA1 is on the minus strand). VCF-style: chr17-43091734-C-T. GRCh37 (hg19) VCF-style: chr17-41243751-C-T.
Other names: c.3671G>A, p.Ser1224Asn (NM_001407672.1, NM_001407673.1, NM_001407685.1 and 11 more transcripts); c.3674G>A, p.Ser1225Asn (NM_001407674.1, NM_001407675.1, NM_001407676.1 and 19 more transcripts); c.3797G>A, p.Ser1266Asn (NM_001407684.1, NM_001407581.1, NM_001407582.1 and 30 more transcripts); c.3656G>A, p.Ser1219Asn (NM_001407724.1, NM_001407725.1, NM_001407692.1 and 29 more transcripts); c.3584G>A, p.Ser1195Asn (NM_001407571.1, NM_001407853.1, NM_001407894.1 and 9 more transcripts); c.3794G>A, p.Ser1265Asn (NM_001407587.1, NM_001407590.1, NM_001407591.1 and 22 more transcripts); c.3788G>A, p.Ser1263Asn (NM_001407646.1, NM_001407647.1); c.3719G>A, p.Ser1240Asn (NM_001407653.1, NM_001407654.1, NM_001407655.1 and 4 more transcripts); and 41 more; short protein forms S1219N, S1266N, S1098N, S1138N, S1177N, S1178N, S1218N, S1139N.
Identifiers: ClinVar variation 999201 (VCV000999201.10), dbSNP rs80357160, ClinGen allele CA10594374.

ClinVar aggregate classification (germline): Conflicting classifications of pathogenicity. Review status: criteria provided, conflicting classifications (1 of 4 stars). 2 submissions from 2 submitters: Uncertain significance (1); Likely benign (1). Last evaluated 2023-03-23.

Conditions:
Hereditary cancer-predisposing syndrome. Also called: Neoplastic Syndromes, Hereditary; Tumor predisposition; Hereditary Cancer Syndrome; Hereditary neoplastic syndrome. Identifiers: Orphanet 140162, MedGen C0027672, MeSH D009386, MONDO:0015356.
Hereditary breast ovarian cancer syndrome. Also called: Hereditary breast and ovarian cancer syndrome; Hereditary breast and/or ovarian cancer syndrome; Hereditary breast and ovarian cancer syndrome (HBOC); Breast and ovarian cancer; BRCA1- and BRCA2-Associated Hereditary Breast and Ovarian Cancer; Hereditary breast and ovarian cancer. Identifiers: Orphanet 145, MedGen C0677776, MeSH D061325, MONDO:0003582. Disease mechanism: loss of function.

Submissions (2):

University of Washington Department of Laboratory Medicine, University of Washington
Classification: Likely benign for Hereditary cancer-predisposing syndrome. Last evaluated: 2023-03-23. Review status: criteria provided, single submitter. Criteria: Dines et al. (Genet Med. 2020). Collection method: curation. Allele origin: germline.
Comment: Missense variant in a coldspot region where missense variants are very unlikely to be pathogenic (PMID:31911673).

BRCA1 coldspot (exon 11 using historical exon numbering). Reclassification based on statistical prior probability

Labcorp Genetics (formerly Invitae), Labcorp
Classification: Uncertain significance for Hereditary breast ovarian cancer syndrome. Last evaluated: 2021-10-08. Review status: criteria provided, single submitter. Criteria: Invitae Variant Classification Sherloc (09022015). Collection method: clinical testing. Allele origin: germline.
Comment: In summary, the available evidence is currently insufficient to determine the role of this variant in disease. Therefore, it has been classified as a Variant of Uncertain Significance. Algorithms developed to predict the effect of missense changes on protein structure and function output the following: SIFT: "Tolerated"; PolyPhen-2: "Benign"; Align-GVGD: "Class C0". The asparagine amino acid residue is found in multiple mammalian species, which suggests that this missense change does not adversely affect protein function. This variant has not been reported in the literature in individuals affected with BRCA1-related conditions. This variant is not present in population databases (ExAC no frequency). This sequence change replaces serine with asparagine at codon 1266 of the BRCA1 protein (p.Ser1266Asn). The serine residue is moderately conserved and there is a small physicochemical difference between serine and asparagine.